The following is an entry in ClinVar:

ClinVar aggregate classification (germline): Benign (1 of 4 stars; one submission).

Conditions:
Colorectal cancer, hereditary nonpolyposis, type 7. Identifiers: Orphanet 144, MedGen C1858380, MONDO:0013725, OMIM 614385.

gnomAD v4.1: 3 of 1,614,118 alleles (0.00019%); highest among the groups gnomAD compares: Non-Finnish European, 0.00025%; no homozygotes.

Submission:

Myriad Genetics, Inc.
Classification: Benign for Colorectal cancer, hereditary nonpolyposis, type 7. Last evaluated: 2026-05-04. Review status: criteria provided, single submitter. Criteria: Myriad Autosomal Dominant, Autosomal Recessive and X-Linked Classification Criteria (2023). Collection method: clinical testing. Allele origin: unknown.
Comment: This variant is considered benign. This variant is a silent/synonymous amino acid change and it is not expected to impact splicing.

NM_001040108.2(MLH3):c.2239T>C (p.Leu747=)

Gene: MLH3 (mutL homolog 3; minus strand). Cytogenetic location: 14q24.3.
Variant type: single nucleotide variant.
Coding change: c.2239T>C on transcript NM_001040108.2 (MANE Select); coding-DNA position 2239, T replaced by C.
Protein change: p.Leu747=; no amino-acid change (leucine 747 retained).
Molecular consequence: synonymous variant.
Genome position (GRCh38, 1-based): chr14:75,047,417, A>G on the plus strand (T>C on the coding strand, the complement: MLH3 is on the minus strand). VCF-style: chr14-75047417-A-G. GRCh37 (hg19) VCF-style: chr14-75514120-A-G.
Other names: c.2239T>C, p.Leu747= (NM_014381.3).
Identifiers: ClinVar variation 4875999 (VCV004875999.1).